The following is an entry in ClinVar:

NM_001128840.3(CACNA1D):c.364A>G (p.Ile122Val)

Gene: CACNA1D (calcium voltage-gated channel subunit alpha1 D; plus strand). Cytogenetic location: 3p21.1.
Variant type: single nucleotide variant.
Coding change: c.364A>G on transcript NM_001128840.3 (MANE Select); coding-DNA position 364, A replaced by G.
Protein change: p.Ile122Val; replaces isoleucine 122 with valine.
Molecular consequence: missense variant.
Genome position (GRCh38, 1-based): chr3:53,497,448, A>G. VCF-style: chr3-53497448-A-G. GRCh37 (hg19) VCF-style: chr3-53531475-A-G.
Other names: c.364A>G, p.Ile122Val (NM_000720.4, NM_001128839.3); short protein forms I122V.
Identifiers: ClinVar variation 2795086 (VCV002795086.3), dbSNP rs1259925073, ClinGen allele CA353382311.

ClinVar aggregate classification (germline): Uncertain significance (1 of 4 stars; one submission).

Allele frequency attached by ClinVar (database versions not stated): TOPMed below 0.00001; gnomAD 0.00001.
gnomAD v4.1: 7 of 1,614,000 alleles (0.00043%); highest among the groups gnomAD compares: East Asian, 0.0022%; no homozygotes.

Submission:

Labcorp Genetics (formerly Invitae), Labcorp
Classification: Uncertain significance. Last evaluated: 2024-09-05. Review status: criteria provided, single submitter. Criteria: Invitae Variant Classification Sherloc (09022015). Collection method: clinical testing. Allele origin: germline.
Comment: This sequence change replaces isoleucine, which is neutral and non-polar, with valine, which is neutral and non-polar, at codon 122 of the CACNA1D protein (p.Ile122Val). This variant is present in population databases (no rsID available, gnomAD 0.06%). This variant has not been reported in the literature in individuals affected with CACNA1D-related conditions. Invitae Evidence Modeling of protein sequence and biophysical properties (such as structural, functional, and spatial information, amino acid conservation, physicochemical variation, residue mobility, and thermodynamic stability) indicates that this missense variant is not expected to disrupt CACNA1D protein function with a negative predictive value of 80%. In summary, the available evidence is currently insufficient to determine the role of this variant in disease. Therefore, it has been classified as a Variant of Uncertain Significance.